The following is an entry in ClinVar:

ClinVar aggregate classification (germline): Uncertain significance (1 of 4 stars; one submission).

Conditions:
Microcephaly, normal intelligence and immunodeficiency (NBS). Also called: IMMUNODEFICIENCY, MICROCEPHALY, AND CHROMOSOMAL INSTABILITY; SEEMANOVA SYNDROME II; Immunodeficiency, microcephaly with normal intelligence; Ataxia telangiectasia variant V1; Nijmegen breakage syndrome; Microcephaly with normal intelligence immunodeficiency and lymphoreticular malignancies. Identifiers: Orphanet 647, MedGen C0398791, MONDO:0009623, OMIM 251260.

Submission:

Labcorp Genetics (formerly Invitae), Labcorp
Classification: Uncertain significance for Microcephaly, normal intelligence and immunodeficiency. Last evaluated: 2016-06-16. Review status: criteria provided, single submitter. Criteria: Invitae Variant Classification Sherloc (09022015). Collection method: clinical testing. Allele origin: germline.
Comment: In summary, this variant is a novel missense change with uncertain impact on protein function. It has been classified as a Variant of Uncertain Significance. Algorithms developed to predict the effect of missense changes on protein structure and function do not agree on the potential impact of this missense change (SIFT: "Deleterious"; PolyPhen-2: "Probably Damaging"; Align-GVGD: "Class C0"). This variant is not present in population databases (ExAC no frequency) and has not been reported in the literature in individuals with an NBN-related disease. This sequence change replaces leucine with arginine at codon 165 of the NBN protein (p.Leu165Arg). The leucine residue is highly conserved and there is a moderate physicochemical difference between leucine and arginine.

NM_002485.5(NBN):c.494T>G (p.Leu165Arg)

Gene: NBN (nibrin; minus strand). Cytogenetic location: 8q21.3.
Variant type: single nucleotide variant.
Coding change: c.494T>G on transcript NM_002485.5 (MANE Select); coding-DNA position 494, T replaced by G.
Protein change: p.Leu165Arg; replaces leucine 165 with arginine.
Molecular consequence: missense variant.
Genome position (GRCh38, 1-based): chr8:89,978,310, A>C on the plus strand (T>G on the coding strand, the complement: NBN is on the minus strand). VCF-style: chr8-89978310-A-C. GRCh37 (hg19) VCF-style: chr8-90990538-A-C.
Other names: c.248T>G, p.Leu83Arg (NM_001024688.3); short protein forms L165R, L83R.
Identifiers: ClinVar variation 411745 (VCV000411745.8), dbSNP rs1060503458, ClinGen allele CA16612670.